The following is an entry in ClinVar:

ClinVar aggregate classification (germline): Uncertain significance. Review status: criteria provided, multiple submitters, no conflicts (2 of 4 stars). 2 submissions from 2 submitters: Uncertain significance (2). Last evaluated 2025-07-30.

Conditions:
Inborn genetic diseases. Identifiers: MedGen C0950123, MeSH D030342.

Submissions (2):

Labcorp Genetics (formerly Invitae), Labcorp
Classification: Uncertain significance. Last evaluated: 2025-07-30. Review status: criteria provided, single submitter. Criteria: Invitae Variant Classification Sherloc (09022015). Collection method: clinical testing. Allele origin: germline.
Comment: This sequence change replaces proline, which is neutral and non-polar, with alanine, which is neutral and non-polar, at codon 24 of the RAD51 protein (p.Pro24Ala). This variant is not present in population databases (gnomAD no frequency). This variant has not been reported in the literature in individuals affected with RAD51-related conditions. ClinVar contains an entry for this variant (Variation ID: 1757164). An algorithm developed to predict the effect of missense changes on protein structure and function (PolyPhen-2) suggests that this variant is likely to be tolerated. In summary, the available evidence is currently insufficient to determine the role of this variant in disease. Therefore, it has been classified as a Variant of Uncertain Significance.

Ambry Genetics
Classification: Uncertain significance for Inborn genetic diseases. Last evaluated: 2023-01-26. Review status: criteria provided, single submitter. Criteria: Ambry Variant Classification Scheme 2023. Collection method: clinical testing. Allele origin: germline.

NM_002875.5(RAD51):c.70C>G (p.Pro24Ala)

Gene: RAD51 (RAD51 recombinase; plus strand). Cytogenetic location: 15q15.1.
Variant type: single nucleotide variant.
Coding change: c.70C>G on transcript NM_002875.5 (MANE Select); coding-DNA position 70, C replaced by G.
Protein change: p.Pro24Ala; replaces proline 24 with alanine.
Molecular consequence: missense variant.
Genome position (GRCh38, 1-based): chr15:40,698,828, C>G. VCF-style: chr15-40698828-C-G. GRCh37 (hg19) VCF-style: chr15-40991026-C-G.
Other names: c.70C>G, p.Pro24Ala (NM_001164269.2, NM_001164270.2, NM_133487.4); short protein forms P24A.
Identifiers: ClinVar variation 1757164 (VCV001757164.3), dbSNP rs2504406579, ClinGen allele CA391744512.